The following is an entry in ClinVar:

ClinVar aggregate classification (germline): Uncertain significance. Review status: criteria provided, multiple submitters, no conflicts (2 of 4 stars). 2 submissions from 2 submitters: Uncertain significance (2). Last evaluated 2024-06-08.

Submissions (2):

Labcorp Genetics (formerly Invitae), Labcorp
Classification: Uncertain significance. Last evaluated: 2024-06-08. Review status: criteria provided, single submitter. Criteria: Invitae Variant Classification Sherloc (09022015). Collection method: clinical testing. Allele origin: germline.
Comment: This sequence change creates a premature translational stop signal (p.Gln134Argfs*55) in the NEFH gene. It is expected to result in an absent or disrupted protein product. However, the current clinical and genetic evidence is not sufficient to establish whether loss-of-function variants in NEFH cause disease. This variant is not present in population databases (gnomAD no frequency). This variant has not been reported in the literature in individuals affected with NEFH-related conditions. ClinVar contains an entry for this variant (Variation ID: 1329836). In summary, the available evidence is currently insufficient to determine the role of this variant in disease. Therefore, it has been classified as a Variant of Uncertain Significance.

GeneDx
Classification: Uncertain significance. Last evaluated: 2021-06-23. Review status: criteria provided, single submitter. Criteria: GeneDx Variant Classification Process June 2021. Collection method: clinical testing. Allele origin: germline. Affected: yes.
Comment: Frameshift variant predicted to result in protein truncation or nonsense mediated decay in a gene for which loss-of-function is not a known mechanism of disease; Has not been previously published as pathogenic or benign to our knowledge

NM_021076.4(NEFH):c.393_400dup (p.Gln134fs)

Gene: NEFH (neurofilament heavy chain; plus strand). Cytogenetic location: 22q12.2.
Variant type: Microsatellite.
Coding change: c.393_400dup on transcript NM_021076.4 (MANE Select); coding-DNA positions 393 to 400, 8 bases duplicated (GCTGCGGC; older notation c.393_400dupGCTGCGGC).
Protein change: p.Gln134fs; shifts the reading frame from glutamine 134.
Molecular consequence: frameshift variant.
Genome position (GRCh38, 1-based): chr22:29,480,655-29,480,662, GCTGCGGC duplicated; duplicating any 8 consecutive bases within chr22:29,480,647-29,480,662 gives the same sequence; the c. name uses the placement nearest the transcript's 3' end. VCF-style (leftmost placement, unchanged base first): chr22-29480646-G-GGCTGCGGC. GRCh37 (hg19) VCF-style: chr22-29876635-G-GGCTGCGGC.
Other names: short protein forms Q134fs.
Identifiers: ClinVar variation 1329836 (VCV001329836.7), dbSNP rs769267635, ClinGen allele CA10174006.
Genomic context (GRCh38, chr22:29,480,646, plus strand): 5'-CGCCGGGTACATCGACAAGGTGCGGCAGCTGGAGGCGCACAACCGCAGCCTGGAGGGCGA[G>GGCTGCGGC]GCTGCGGCGCTGCGGCAGCAGCAGGCGGGCCGCTCCGCTATGGGCGAGCTGTACGAGCGC-3'